The following is an entry in ClinVar:

NM_032444.4(SLX4):c.3951G>T (p.Pro1317=)

Gene: SLX4 (SLX4 structure-specific endonuclease subunit; minus strand). Cytogenetic location: 16p13.3.
Variant type: single nucleotide variant.
Coding change: c.3951G>T on transcript NM_032444.4 (MANE Select); coding-DNA position 3951, G replaced by T.
Protein change: p.Pro1317=; no amino-acid change (proline 1317 retained).
Molecular consequence: synonymous variant.
Genome position (GRCh38, 1-based): chr16:3,589,687, C>A on the plus strand (G>T on the coding strand, the complement: SLX4 is on the minus strand). VCF-style: chr16-3589687-C-A. GRCh37 (hg19) VCF-style: chr16-3639688-C-A.
Identifiers: ClinVar variation 3047268 (VCV003047268.4), dbSNP rs147600630, ClinGen allele CA7865780.

ClinVar aggregate classification (germline): Likely benign. Review status: criteria provided, multiple submitters, no conflicts (2 of 4 stars). 3 submissions from 3 submitters: Likely benign (2). 1 of the submissions does not count toward it. Last evaluated 2025-11-30.

Conditions:
Fanconi anemia (FA). Also called: Fanconi's anemia. Identifiers: Orphanet 84, MedGen C0015625, MeSH D005199, MONDO:0019391.
SLX4-related disorder. Also called: SLX4-related condition.

Submissions (3):

Labcorp Genetics (formerly Invitae), Labcorp
Classification: Likely benign for Fanconi anemia. Last evaluated: 2025-11-30. Review status: criteria provided, single submitter. Criteria: Invitae Variant Classification Sherloc (09022015). Collection method: clinical testing. Allele origin: germline.

Blueprint Genetics
Classification: Likely benign. Last evaluated: 2022-12-01. Review status: criteria provided, single submitter. Criteria: ACMG Guidelines, 2015. Collection method: clinical testing. Allele origin: germline.

PreventionGenetics, part of Exact Sciences
Classification: Likely benign for SLX4-related condition. Last evaluated: 2020-11-24. Review status: no assertion criteria provided. Collection method: clinical testing. Allele origin: germline. Not counted in ClinVar's aggregate classification.
Comment: This variant is classified as likely benign based on ACMG/AMP sequence variant interpretation guidelines (Richards et al. 2015 PMID: 25741868, with internal and published modifications).